The following is an entry in ClinVar:

NM_004260.4(RECQL4):c.2324G>T (p.Gly775Val)

Gene: RECQL4 (RecQ like helicase 4; minus strand). Cytogenetic location: 8q24.3.
Variant type: single nucleotide variant.
Coding change: c.2324G>T on transcript NM_004260.4 (MANE Select); coding-DNA position 2324, G replaced by T.
Protein change: p.Gly775Val; replaces glycine 775 with valine.
Molecular consequence: missense variant.
Genome position (GRCh38, 1-based): chr8:144,513,357, C>A on the plus strand (G>T on the coding strand, the complement: RECQL4 is on the minus strand). VCF-style: chr8-144513357-C-A. GRCh37 (hg19) VCF-style: chr8-145738740-C-A.
Other names: c.2324G>T, p.Gly775Val (NM_001413019.1, NM_001413036.1); c.2228G>T, p.Gly743Val (NM_001413020.1); c.1253G>T, p.Gly418Val (NM_001413021.1, NM_001413022.1, NM_001413023.1 and 5 more transcripts); c.2195G>T, p.Gly732Val (NM_001413025.1); c.1187G>T, p.Gly396Val (NM_001413027.1, NM_001413030.1, NM_001413032.1 and 1 more transcripts); c.1973G>T, p.Gly658Val (NM_001413029.1); c.1055G>T, p.Gly352Val (NM_001413031.1); c.2192G>T, p.Gly731Val (NM_001413033.1); and 4 more; short protein forms G408V, G658V, G765V, G352V, G396V, G731V, G732V, G286V.
Identifiers: ClinVar variation 2040550 (VCV002040550.4), dbSNP rs2538011022, ClinGen allele CA372678345.

ClinVar aggregate classification (germline): Uncertain significance (1 of 4 stars; one submission).

Conditions:
Baller-Gerold syndrome (BGS). Also called: CRANIOSYNOSTOSIS WITH RADIAL DEFECTS. Identifiers: Orphanet 1225, MedGen C0265308, MONDO:0009039, OMIM 218600.

Submission:

Labcorp Genetics (formerly Invitae), Labcorp
Classification: Uncertain significance for Baller-Gerold syndrome. Last evaluated: 2022-08-02. Review status: criteria provided, single submitter. Criteria: Invitae Variant Classification Sherloc (09022015). Collection method: clinical testing. Allele origin: germline.
Comment: In summary, the available evidence is currently insufficient to determine the role of this variant in disease. Therefore, it has been classified as a Variant of Uncertain Significance. Experimental studies and prediction algorithms are not available or were not evaluated, and the functional significance of this variant is currently unknown. This variant has not been reported in the literature in individuals affected with RECQL4-related conditions. This variant is not present in population databases (gnomAD no frequency). This sequence change replaces glycine, which is neutral and non-polar, with valine, which is neutral and non-polar, at codon 775 of the RECQL4 protein (p.Gly775Val).